The following is an entry in ClinVar:

NM_001142800.2(EYS):c.7609G>A (p.Ala2537Thr)

Gene: EYS (EGF-like photoreceptor maintenance factor; minus strand). Cytogenetic location: 6q12.
Variant type: single nucleotide variant.
Coding change: c.7609G>A on transcript NM_001142800.2 (MANE Select); coding-DNA position 7609, G replaced by A.
Protein change: p.Ala2537Thr; replaces alanine 2537 with threonine.
Molecular consequence: missense variant.
Genome position (GRCh38, 1-based): chr6:63,788,219, C>T on the plus strand (G>A on the coding strand, the complement: EYS is on the minus strand). VCF-style: chr6-63788219-C-T. GRCh37 (hg19) VCF-style: chr6-64498112-C-T.
Other names: c.7609G>A, p.Ala2537Thr (NM_001292009.2); short protein forms A2537T.
Identifiers: ClinVar variation 744371 (VCV000744371.18), dbSNP rs189406424, ClinGen allele CA3876792.
Genomic context (GRCh38, chr6:63,788,219, plus strand): 5'-CACTGTAGCCACCTACATAAAACTGACTGAAGACATTGAGACCAACCAGTCTTCCTGGGG[C>T]GATAATGGATTTATTTTTATGATCATCTACCTTCGAAAGGGAAAAAAAACCTATTAAAAA-3'
Protein context (NP_001136272.1, residues 2527-2547): VDDHKNKSII[Ala2537Thr]PGRLVGLNVF

ClinVar aggregate classification (germline): Conflicting classifications of pathogenicity. Review status: criteria provided, conflicting classifications (1 of 4 stars). 6 submissions from 6 submitters: Uncertain significance (3); Likely benign (2). 1 of the submissions does not count toward it. Last evaluated 2026-01-24.

Conditions:
EYS-related disorder. Also called: EYS-related condition.
Retinal dystrophy. Also called: Inherited retinal dystrophy. Identifiers: Orphanet 71862, MedGen C0854723, MeSH D058499, MONDO:0019118, HP:0000556.
Retinitis pigmentosa 25 (RP25). Identifiers: Orphanet 791, MedGen C1864446, MONDO:0011272, OMIM 602772.

Allele frequency attached by ClinVar (database versions not stated): gnomAD 0.00010 and 0.00018; ExAC 0.00014; TOPMed 0.00022; 1000 Genomes Project 30x 0.00172; 1000 Genomes Project 0.00180.
gnomAD v4.1: 202 of 1,538,226 alleles (0.013%); highest among the groups gnomAD compares: East Asian, 0.29%; 2 homozygotes.

Submissions (6):

Labcorp Genetics (formerly Invitae), Labcorp
Classification: Likely benign. Last evaluated: 2026-01-24. Review status: criteria provided, single submitter. Criteria: Invitae Variant Classification Sherloc (09022015). Collection method: clinical testing. Allele origin: germline.

GeneDx
Classification: Uncertain significance. Last evaluated: 2025-10-16. Review status: criteria provided, single submitter. Criteria: GeneDx Variant Classification Process June 2021. Collection method: clinical testing. Allele origin: germline. Affected: yes.
Comment: Observed with a second EYS variant, phase unknown, in patients with retinitis pigmentosa or visual defects in the literature, however many of these patients also had variants in other genes that may have caused the phenotype (PMID: 24938718, 25356976, 35970143); In silico analysis suggests that this missense variant does not alter protein structure/function; This variant is associated with the following publications: (PMID: 32218477, 27375351, 33691693, 35970143, 24938718, 25356976)

Blueprint Genetics
Classification: Uncertain significance. Last evaluated: 2024-09-10. Review status: criteria provided, single submitter. Criteria: ACMG Guidelines, 2015. Collection method: clinical testing. Allele origin: germline.

Dept Of Ophthalmology, Nagoya University
Classification: Likely benign for Retinal dystrophy. Last evaluated: 2023-10-01. Review status: criteria provided, single submitter. Criteria: Submitter's publication. Collection method: research. Allele origin: germline. Affected: yes.

Juno Genomics, Hangzhou Juno Genomics, Inc
Classification: Uncertain significance for Retinitis pigmentosa 25. Review status: criteria provided, single submitter. Criteria: ACMG Guidelines, 2015. Collection method: clinical testing. Allele origin: germline. Affected: yes.
Comment: Absent from controls (or at extremely low frequency if recessive) in Genome Aggregation Database, Exome Sequencing Project, 1000 Genomes Project, or Exome Aggregation Consortium.;For recessive disorders, detected in trans with a pathogenic variant.;Patient's phenotype or family history is highly specific for a disease with a single genetic etiology.

PreventionGenetics, part of Exact Sciences
Classification: Likely benign for EYS-related condition. Last evaluated: 2024-09-27. Review status: no assertion criteria provided. Collection method: clinical testing. Allele origin: germline. Not counted in ClinVar's aggregate classification.
Comment: This variant is classified as likely benign based on ACMG/AMP sequence variant interpretation guidelines (Richards et al. 2015 PMID: 25741868, with internal and published modifications).